The following is an entry in ClinVar:

NM_001374828.1(ARID1B):c.1312G>A (p.Gly438Ser)

Gene: ARID1B (AT-rich interaction domain 1B; plus strand). Cytogenetic location: 6q25.3.
Variant type: single nucleotide variant.
Coding change: c.1312G>A on transcript NM_001374828.1 (MANE Select); coding-DNA position 1312, G replaced by A.
Protein change: p.Gly438Ser; replaces glycine 438 with serine.
Molecular consequence: missense variant.
Genome position (GRCh38, 1-based): chr6:156,778,992, G>A. VCF-style: chr6-156778992-G-A. GRCh37 (hg19) VCF-style: chr6-157100126-G-A.
Other names: c.1063G>A, p.Gly355Ser (NM_001346813.1, NM_020732.3); c.1312G>A, p.Gly438Ser (NM_001371656.1, NM_001374820.1, NM_017519.3); c.889G>A, p.Gly297Ser (NM_175863.2); short protein forms G297S, G355S, G438S.
Identifiers: ClinVar variation 2439190 (VCV002439190.28), dbSNP rs1240329007, ClinGen allele CA366383947.

ClinVar aggregate classification (germline): Uncertain significance. Review status: criteria provided, multiple submitters, no conflicts (2 of 4 stars). 3 submissions from 3 submitters: Uncertain significance (3). Last evaluated 2025-07-14.

Conditions:
Coffin-Siris syndrome 1 (CSS1). Also called: ARID1B-Related Coffin-Siris Syndrome; Mental retardation, autosomal dominant 12. Identifiers: Orphanet 1465, MedGen C3281201, MONDO:0007617, OMIM 135900. Disease mechanism: gain of function.

Allele frequency attached by ClinVar (database versions not stated): gnomAD 0.00001; gnomAD exomes 0.00003.
gnomAD v4.1: 8 of 1,273,104 alleles (0.00063%); highest among the groups gnomAD compares: Middle Eastern, 0.029%; no homozygotes.

Submissions (3):

Labcorp Genetics (formerly Invitae), Labcorp
Classification: Uncertain significance. Last evaluated: 2025-07-14. Review status: criteria provided, single submitter. Criteria: Invitae Variant Classification Sherloc (09022015). Collection method: clinical testing. Allele origin: germline.
Comment: This sequence change replaces glycine, which is neutral and non-polar, with serine, which is neutral and polar, at codon 355 of the ARID1B protein (p.Gly355Ser). The frequency data for this variant in the population databases is considered unreliable, as metrics indicate insufficient coverage at this position in the gnomAD database. This variant has not been reported in the literature in individuals affected with ARID1B-related conditions. ClinVar contains an entry for this variant (Variation ID: 2439190). Invitae Evidence Modeling of protein sequence and biophysical properties (such as structural, functional, and spatial information, amino acid conservation, physicochemical variation, residue mobility, and thermodynamic stability) indicates that this missense variant is not expected to disrupt ARID1B protein function with a negative predictive value of 95%. In summary, the available evidence is currently insufficient to determine the role of this variant in disease. Therefore, it has been classified as a Variant of Uncertain Significance.

CeGaT Center for Human Genetics Tuebingen
Classification: Uncertain significance. Last evaluated: 2022-11-01. Review status: criteria provided, single submitter. Criteria: CeGaT Center For Human Genetics Tuebingen Variant Classification Criteria Version 2. Collection method: clinical testing. Allele origin: germline. Affected: yes. Observed: 1 variant allele.

Revvity Omics, Revvity
Classification: Uncertain significance for Coffin-Siris syndrome 1. Last evaluated: 2021-11-07. Review status: criteria provided, single submitter. Criteria: ACMG Guidelines, 2015. Collection method: clinical testing. Allele origin: germline.